The following is an entry in ClinVar:

NM_001166108.2(PALLD):c.1483A>G (p.Arg495Gly)

Gene: PALLD (palladin, cytoskeletal associated protein; plus strand). Cytogenetic location: 4q32.3.
Variant type: single nucleotide variant.
Coding change: c.1483A>G on transcript NM_001166108.2 (MANE Select); coding-DNA position 1483, A replaced by G.
Protein change: p.Arg495Gly; replaces arginine 495 with glycine.
Molecular consequence: missense variant.
Genome position (GRCh38, 1-based): chr4:168,691,274, A>G. VCF-style: chr4-168691274-A-G. GRCh37 (hg19) VCF-style: chr4-169612425-A-G.
Other names: c.337A>G, p.Arg113Gly (NM_001166109.2); c.1483A>G, p.Arg495Gly (NM_016081.4); short protein forms R113G, R495G.
Identifiers: ClinVar variation 2625540 (VCV002625540.2), dbSNP rs2531656545, ClinGen allele CA358796306.
Genomic context (GRCh38, chr4:168,691,274, plus strand): 5'-ATGGAACCCCATTCTAATACTTTGTTCTAATTTATTTTTTTCATGTGGCAAACAGAACCT[A>G]GATCTACAGCTGAACCTGGTAAGAATATTTTTAGGGTTTTTTTTTTTGGTGGTGGGGGAG-3'
Protein context (NP_001159580.1, residues 485-505): PDFRILQKKP[Arg495Gly]STAEPEEICT

ClinVar aggregate classification (germline): Uncertain significance (1 of 4 stars; one submission).

Submission:

Ambry Genetics
Classification: Uncertain significance. Last evaluated: 2023-06-21. Review status: criteria provided, single submitter. Criteria: Ambry Variant Classification Scheme 2023. Collection method: clinical testing. Allele origin: germline.
Comment: The p.R495G variant (also known as c.1483A>G), located in coding exon 7 of the PALLD gene, results from an A to G substitution at nucleotide position 1483. The arginine at codon 495 is replaced by glycine, an amino acid with dissimilar properties. This amino acid position is conserved. In addition, this alteration is predicted to be deleterious by in silico analysis. Since supporting evidence is limited at this time, the clinical significance of this alteration remains unclear.